The following is an entry in ClinVar:

NM_024757.5(EHMT1):c.1806G>A (p.Glu602=)

Gene: EHMT1 (euchromatic histone lysine methyltransferase 1; plus strand). Cytogenetic location: 9q34.3.
Variant type: single nucleotide variant.
Coding change: c.1806G>A on transcript NM_024757.5 (MANE Select); coding-DNA position 1806, G replaced by A.
Protein change: p.Glu602=; no amino-acid change (glutamic acid 602 retained).
Molecular consequence: synonymous variant.
Genome position (GRCh38, 1-based): chr9:137,776,632, G>A. VCF-style: chr9-137776632-G-A. GRCh37 (hg19) VCF-style: chr9-140671084-G-A.
Other names: c.1806G>A, p.Glu602= (NM_001145527.2); c.1713G>A, p.Glu571= (NM_001354259.2); c.1785G>A, p.Glu595= (NM_001354263.2).
Identifiers: ClinVar variation 65727 (VCV000065727.31), dbSNP rs137852713, ClinGen allele CA5374740.

ClinVar aggregate classification (germline): Likely benign. Review status: criteria provided, multiple submitters, no conflicts (2 of 4 stars). 4 submissions from 4 submitters: Likely benign (4). Last evaluated 2026-01-15.

Conditions:
Inborn genetic diseases. Identifiers: MedGen C0950123, MeSH D030342.
Kleefstra syndrome 1 (KLEFS1). Identifiers: Orphanet 261494, MedGen C0795833, MONDO:0027407, OMIM 610253.

Allele frequency attached by ClinVar (database versions not stated): ExAC 0.00001; gnomAD 0.00001; TOPMed 0.00001; gnomAD exomes 0.00002.
gnomAD v4.1: 19 of 1,613,962 alleles (0.0012%); highest among the groups gnomAD compares: Middle Eastern, 0.033%; no homozygotes.

Submissions (4):

Labcorp Genetics (formerly Invitae), Labcorp
Classification: Likely benign for Kleefstra syndrome 1. Last evaluated: 2026-01-15. Review status: criteria provided, single submitter. Criteria: Invitae Variant Classification Sherloc (09022015). Collection method: clinical testing. Allele origin: germline.

CeGaT Center for Human Genetics Tuebingen
Classification: Likely benign. Last evaluated: 2024-08-01. Review status: criteria provided, single submitter. Criteria: CeGaT Center For Human Genetics Tuebingen Variant Classification Criteria Version 2. Collection method: clinical testing. Allele origin: germline. Affected: yes. Observed: 1 variant allele.
Comment: EHMT1: BP4, BP7

GeneDx
Classification: Likely benign. Last evaluated: 2020-06-11. Review status: criteria provided, single submitter. Criteria: GeneDx Variant Classification Process June 2021. Collection method: clinical testing. Allele origin: germline. Affected: yes.

Ambry Genetics
Classification: Likely benign for Inborn genetic diseases. Last evaluated: 2017-05-11. Review status: criteria provided, single submitter. Criteria: Ambry Variant Classification Scheme 2023. Collection method: clinical testing. Allele origin: germline.